The following is an entry in ClinVar:

ClinVar aggregate classification (germline): Uncertain significance. Review status: criteria provided, multiple submitters, no conflicts (2 of 4 stars). 2 submissions from 2 submitters: Uncertain significance (2). Last evaluated 2025-08-16.

Conditions:
Melanoma, cutaneous malignant, susceptibility to, 8. Also called: Cutaneous malignant melanoma 8; MELANOMA AND RENAL CELL CARCINOMA, SUSCEPTIBILITY TO. Identifiers: Orphanet 293822, MedGen C3152204, MONDO:0013759, OMIM 614456.
Tietz syndrome (TADS). Also called: HYPOPIGMENTATION/DEAFNESS OF TIETZ; TIETZ ALBINISM-DEAFNESS SYNDROME; ALBINISM-DEAFNESS OF TIETZ. Identifiers: Orphanet 42665, MedGen C0391816, MONDO:0007077, OMIM 103500.
Waardenburg syndrome type 2A (WS2A). Also called: WAARDENBURG SYNDROME WITHOUT DYSTOPIA CANTHORUM. Identifiers: Orphanet 3440, MedGen C1860339, MONDO:0008671, OMIM 193510.

Submissions (2):

Labcorp Genetics (formerly Invitae), Labcorp
Classification: Uncertain significance for Melanoma, cutaneous malignant, susceptibility to, 8; Waardenburg syndrome type 2A; Tietz syndrome. Last evaluated: 2025-08-16. Review status: criteria provided, single submitter. Criteria: Invitae Variant Classification Sherloc (09022015). Collection method: clinical testing. Allele origin: germline.
Comment: This sequence change replaces threonine, which is neutral and polar, with asparagine, which is neutral and polar, at codon 336 of the MITF protein (p.Thr336Asn). This variant is not present in population databases (gnomAD no frequency). This variant has not been reported in the literature in individuals affected with MITF-related conditions. ClinVar contains an entry for this variant (Variation ID: 3603256). Invitae Evidence Modeling of protein sequence and biophysical properties (such as structural, functional, and spatial information, amino acid conservation, physicochemical variation, residue mobility, and thermodynamic stability) indicates that this missense variant is not expected to disrupt MITF protein function with a negative predictive value of 80%. In summary, the available evidence is currently insufficient to determine the role of this variant in disease. Therefore, it has been classified as a Variant of Uncertain Significance.

GeneDx
Classification: Uncertain significance. Last evaluated: 2024-08-06. Review status: criteria provided, single submitter. Criteria: GeneDx Variant Classification Process June 2021. Collection method: clinical testing. Allele origin: germline. Affected: yes.
Comment: Not observed at significant frequency in large population cohorts (gnomAD); In silico analysis indicates that this missense variant does not alter protein structure/function; Has not been previously published as pathogenic or benign to our knowledge

NM_001354604.2(MITF):c.1328C>A (p.Thr443Asn)

Gene: MITF (melanocyte inducing transcription factor; plus strand). Cytogenetic location: 3p13.
Variant type: single nucleotide variant.
Coding change: c.1328C>A on transcript NM_001354604.2 (MANE Select); coding-DNA position 1328, C replaced by A.
Protein change: p.Thr443Asn; replaces threonine 443 with asparagine.
Molecular consequence: missense variant.
Genome position (GRCh38, 1-based): chr3:69,964,995, C>A. VCF-style: chr3-69964995-C-A. GRCh37 (hg19) VCF-style: chr3-70014146-C-A.
Other names: c.1007C>A, p.Thr336Asn (NM_000248.4); c.1154C>A, p.Thr385Asn (NM_001184967.2, NM_001354608.2); c.1325C>A, p.Thr442Asn (NM_001354605.2); c.1307C>A, p.Thr436Asn (NM_001354606.2, NM_006722.3); c.1259C>A, p.Thr420Asn (NM_001354607.2); c.989C>A, p.Thr330Asn (NM_198158.3); c.1310C>A, p.Thr437Asn (NM_198159.3); c.1262C>A, p.Thr421Asn (NM_198177.3); and 1 more; short protein forms T274N, T330N, T336N, T385N, T420N, T421N, T436N, T437N.
Identifiers: ClinVar variation 3603256 (VCV003603256.3).
Genomic context (GRCh38, chr3:69,964,995, plus strand): 5'-AGCAAGAACCCGTTCTTGAGAACTGCAGCCAAGACCTCCTTCAGCATCATGCAGACCTAA[C>A]CTGTACAACAACTCTCGATCTCACGGATGGCACCATCACCTTCAACAACAACCTCGGAAC-3'
Protein context (NP_001341533.1, residues 433-453): QDLLQHHADL[Thr443Asn]CTTTLDLTDG